The following is an entry in ClinVar:

NM_000384.3(APOB):c.8568A>G (p.Thr2856=)

Gene: APOB (apolipoprotein B; minus strand). Cytogenetic location: 2p24.1.
Variant type: single nucleotide variant.
Coding change: c.8568A>G on transcript NM_000384.3 (MANE Select); coding-DNA position 8568, A replaced by G.
Protein change: p.Thr2856=; no amino-acid change (threonine 2856 retained).
Molecular consequence: synonymous variant.
Genome position (GRCh38, 1-based): chr2:21,008,300, T>C on the plus strand (A>G on the coding strand, the complement: APOB is on the minus strand). VCF-style: chr2-21008300-T-C. GRCh37 (hg19) VCF-style: chr2-21231172-T-C.
Identifiers: ClinVar variation 3571440 (VCV003571440.1).

ClinVar aggregate classification (germline): Likely benign (1 of 4 stars; one submission).

Conditions:
Familial hypercholesterolemia. Also called: Familial hypercholesterolaemia. Identifiers: MedGen C0020445, MONDO:0005439.

Submission:

GENinCode PLC
Classification: Likely benign for Familial hypercholesterolemia. Last evaluated: 2025-01-09. Review status: criteria provided, single submitter. Criteria: ACMG Guidelines, 2015. Collection method: clinical testing. Allele origin: germline.
Comment: This is a synonymous (silent) variant that is not predicted to impact splicing and occurs at a nucleotide which is not highly conserved. This variant has been classified as Likely Benign (BP4, BP7).